The following is an entry in ClinVar:

NM_001378454.1(ALMS1):c.11802_11812del (p.Glu3934fs)

Gene: ALMS1 (ALMS1 centrosome and basal body associated protein; plus strand). Cytogenetic location: 2p13.1.
Variant type: Deletion.
Coding change: c.11802_11812del on transcript NM_001378454.1 (MANE Select); coding-DNA positions 11802 to 11812, 11 bases deleted (AGAGAAAATGC).
Protein change: p.Glu3934fs; shifts the reading frame from glutamic acid 3934.
Molecular consequence: frameshift variant.
Genome position (GRCh38, 1-based): chr2:73,600,811-73,600,821, AGAGAAAATGC deleted. VCF-style (leftmost placement, unchanged base first): chr2-73600810-AAGAGAAAATGC-A. GRCh37 (hg19) VCF-style: chr2-73827937-AAGAGAAAATGC-A.
Other names: c.11805_11815del, p.Glu3935fs (NM_015120.4); short protein forms E3934fs, E3935fs.
Identifiers: ClinVar variation 4815764 (VCV004815764.1).

ClinVar aggregate classification (germline): Likely pathogenic (1 of 4 stars; one submission).

Conditions:
Alstrom syndrome (ALMS). Identifiers: Orphanet 64, MedGen C0268425, MONDO:0008763, OMIM 203800.

Submission:

Natera, Inc.
Classification: Likely pathogenic for Alstrom syndrome. Last evaluated: 2024-12-28. Review status: criteria provided, single submitter. Criteria: Natera Variant Classification Schema (03/2026). Collection method: clinical testing. Allele origin: germline.
Comment: The c.11805_11815del variant in ALMS1 is a frameshift variant predicted to shift the reading frame beginning at codon 3935 and leads to a stop codon 7 codons downstream. This variant is expected to result in nonsense mediated decay, truncation, or a dysfunctional protein product. This variant is rare in the general population with a frequency below the threshold expected for the associated phenotype(s). Given the available evidence, this variant is classified as Likely Pathogenic.